The following is an entry in ClinVar:

NM_000127.3(EXT1):c.1261A>G (p.Lys421Glu)

Gene: EXT1 (exostosin glycosyltransferase 1; minus strand). Cytogenetic location: 8q24.11.
Variant type: single nucleotide variant.
Coding change: c.1261A>G on transcript NM_000127.3 (MANE Select); coding-DNA position 1261, A replaced by G.
Protein change: p.Lys421Glu; replaces lysine 421 with glutamic acid.
Molecular consequence: missense variant.
Genome position (GRCh38, 1-based): chr8:117,830,253, T>C on the plus strand (A>G on the coding strand, the complement: EXT1 is on the minus strand). VCF-style: chr8-117830253-T-C. GRCh37 (hg19) VCF-style: chr8-118842492-T-C.
Other names: short protein forms K421E.
Identifiers: ClinVar variation 3710177 (VCV003710177.2).
Genomic context (GRCh38, chr8:117,830,253, plus strand): 5'-CATTATTCAAGCCCAAGAGCCAAGTGGTCTCACTTACCTCTAGTGTAGTTAATACAATCT[T>C]CTCAACTGAAGAAAAATAAGCCTCCCACAAGAATTGTGTCTGCTGTCTAAGTGCTAGGAT-3'
Protein context (NP_000118.2, residues 411-431): LWEAYFSSVE[Lys421Glu]IVLTTLEIIQ

ClinVar aggregate classification (germline): Uncertain significance (1 of 4 stars; one submission).

Conditions:
Multiple congenital exostosis (EXT). Also called: Hereditary multiple osteochondromas; Hereditary multiple exostoses; Hereditary multiple exostosis; Multiple exostoses; MULTIPLE CARTILAGINOUS EXOSTOSES; Multiple osteochondromas. Identifiers: Orphanet 321, MedGen C0015306, MONDO:0005508, HP:0002762.

gnomAD v4.1: 1 of 1,614,036 alleles (0.000062%); highest among the groups gnomAD compares: Non-Finnish European, 0.000085%; no homozygotes.

Submission:

Labcorp Genetics (formerly Invitae), Labcorp
Classification: Uncertain significance for Multiple congenital exostosis. Last evaluated: 2024-10-06. Review status: criteria provided, single submitter. Criteria: Invitae Variant Classification Sherloc (09022015). Collection method: clinical testing. Allele origin: germline.
Comment: This sequence change replaces lysine, which is basic and polar, with glutamic acid, which is acidic and polar, at codon 421 of the EXT1 protein (p.Lys421Glu). This variant is not present in population databases (gnomAD no frequency). This variant has not been reported in the literature in individuals affected with EXT1-related conditions. Invitae Evidence Modeling of protein sequence and biophysical properties (such as structural, functional, and spatial information, amino acid conservation, physicochemical variation, residue mobility, and thermodynamic stability) indicates that this missense variant is expected to disrupt EXT1 protein function with a positive predictive value of 80%. In summary, the available evidence is currently insufficient to determine the role of this variant in disease. Therefore, it has been classified as a Variant of Uncertain Significance.